The following is an entry in ClinVar:

ClinVar aggregate classification (germline): Pathogenic (1 of 4 stars; one submission).

Submission:

Labcorp Genetics (formerly Invitae), Labcorp
Classification: Pathogenic. Last evaluated: 2022-11-01. Review status: criteria provided, single submitter. Criteria: Invitae Variant Classification Sherloc (09022015). Collection method: clinical testing. Allele origin: germline.
Comment: For these reasons, this variant has been classified as Pathogenic. ClinVar contains an entry for this variant (Variation ID: 1070792). This variant has not been reported in the literature in individuals affected with FH-related conditions. This variant is not present in population databases (gnomAD no frequency). This sequence change creates a premature translational stop signal (p.Ser427*) in the FH gene. It is expected to result in an absent or disrupted protein product. Loss-of-function variants in FH are known to be pathogenic (PMID: 11865300, 21398687).

Literature cited by the submitters: PubMed 11865300; PubMed 21398687.

NM_000143.4(FH):c.1280del (p.Ala426_Ser427insTer)

Gene: FH (fumarate hydratase; minus strand). Cytogenetic location: 1q43.
Variant type: Deletion.
Coding change: c.1280del on transcript NM_000143.4 (MANE Select); coding-DNA position 1280, one base deleted (C; older notation c.1280delC).
Protein change: p.Ala426_Ser427insTer.
Molecular consequence: nonsense.
Genome position (GRCh38, 1-based): chr1:241,500,547, G deleted on the plus strand (C on the coding strand, the reverse complement: FH is on the minus strand). VCF-style (leftmost placement, unchanged base first): chr1-241500546-TG-T. GRCh37 (hg19) VCF-style: chr1-241663846-TG-T.
Identifiers: ClinVar variation 1070792 (VCV001070792.45), dbSNP rs2147913263, ClinGen allele CA2499214631.